The following is an entry in ClinVar:

ClinVar aggregate classification (germline): Likely benign. Review status: criteria provided, multiple submitters, no conflicts (2 of 4 stars). 5 submissions from 5 submitters: Likely benign (5). Last evaluated 2026-02-01.

Conditions:
Inborn genetic diseases. Identifiers: MedGen C0950123, MeSH D030342.
CHARGE syndrome (CHARGE). Also called: Coloboma, heart anomaly, choanal atresia, retardation, genital and ear anomalies; CHARGE association; Hall-Hittner syndrome; Hittner Hirsch Kreh syndrome; CHARGE ASSOCIATION--COLOBOMA, HEART ANOMALY, CHOANAL ATRESIA, RETARDATION, GENITAL AND EAR ANOMALIES. Identifiers: Orphanet 138, MedGen C0265354, MONDO:0008965.
Hypogonadotropic hypogonadism 5 with or without anosmia (KAL5). Also called: HYPOGONADOTROPIC HYPOGONADISM 5 WITH ANOSMIA; HYPOGONADOTROPHIC HYPOGONADISM 5 WITHOUT ANOSMIA; CHD7-Related GnRH Deficiency (Kallmann Syndrome 5). Identifiers: Orphanet 478, MedGen C3552553, MONDO:0012880, OMIM 612370. Disease mechanism: loss of function.

Allele frequency attached by ClinVar (database versions not stated): gnomAD 0.00001; ExAC 0.00002; TOPMed 0.00005.
gnomAD v4.1: 21 of 1,613,630 alleles (0.0013%); highest among the groups gnomAD compares: Admixed American, 0.005%; no homozygotes.

Submissions (5):

CeGaT Center for Human Genetics Tuebingen
Classification: Likely benign. Last evaluated: 2026-02-01. Review status: criteria provided, single submitter. Criteria: CeGaT Center For Human Genetics Tuebingen Variant Classification Criteria Version 2. Collection method: clinical testing. Allele origin: germline. Affected: yes. Observed: 1 variant allele.
Comment: CHD7: BP4, BP7

Labcorp Genetics (formerly Invitae), Labcorp
Classification: Likely benign for CHARGE syndrome. Last evaluated: 2026-01-20. Review status: criteria provided, single submitter. Criteria: Invitae Variant Classification Sherloc (09022015). Collection method: clinical testing. Allele origin: germline.

Fulgent Genetics
Classification: Likely benign for CHD7-related CHARGE syndrome; Hypogonadotropic hypogonadism 5 with or without anosmia. Last evaluated: 2022-02-04. Review status: criteria provided, single submitter. Criteria: ACMG Guidelines, 2015. Collection method: clinical testing. Allele origin: unknown.

Ambry Genetics
Classification: Likely benign for Inborn genetic diseases. Last evaluated: 2018-07-12. Review status: criteria provided, single submitter. Criteria: Ambry Variant Classification Scheme 2023. Collection method: clinical testing. Allele origin: germline.

Laboratory for Molecular Medicine, Mass General Brigham Personalized Medicine
Classification: Likely benign. Last evaluated: 2018-04-12. Review status: criteria provided, single submitter. Criteria: LMM Criteria. Collection method: clinical testing. Allele origin: germline. Observed: 1 variant allele.
Comment: This variant is classified as likely benign because it does not alter an amino a cid residue, is not located within the splice consensus sequence, and splice pre diction algorithms an impact on splicing. It has been identified in 7/245622 tot al chromosomes by the Genome Aggregation Database (gnomAD; dbSNP rs771141688). ACMG/AMP Criteria applied: BP4; BP7.

NM_017780.4(CHD7):c.7233C>T (p.Ala2411=)

Gene: CHD7 (chromodomain helicase DNA binding protein 7; plus strand). Cytogenetic location: 8q12.2.
Variant type: single nucleotide variant.
Coding change: c.7233C>T on transcript NM_017780.4 (MANE Select); coding-DNA position 7233, C replaced by T.
Protein change: p.Ala2411=; no amino-acid change (alanine 2411 retained).
Molecular consequence: synonymous variant. On other transcripts: intron variant (1).
Genome position (GRCh38, 1-based): chr8:60,856,513, C>T. VCF-style: chr8-60856513-C-T. GRCh37 (hg19) VCF-style: chr8-61769072-C-T.
Other names: c.1717-5716C>T (NM_001316690.1).
Identifiers: ClinVar variation 666672 (VCV000666672.19), dbSNP rs771141688, ClinGen allele CA4760779.